The following is an entry in ClinVar:

NM_006361.6(HOXB13):c.553del (p.Gln185fs)

Gene: HOXB13 (homeobox B13; minus strand). Cytogenetic location: 17q21.32.
Variant type: Deletion.
Coding change: c.553del on transcript NM_006361.6 (MANE Select); coding-DNA position 553, one base deleted (C; older notation c.553delC).
Protein change: p.Gln185fs; shifts the reading frame from glutamine 185.
Molecular consequence: frameshift variant.
Genome position (GRCh38, 1-based): chr17:48,728,041, G deleted on the plus strand (C on the coding strand, the reverse complement: HOXB13 is on the minus strand); the first of 2 consecutive G bases (chr17:48,728,041-48,728,042); deleting either gives the same sequence. VCF-style (leftmost placement, unchanged base first): chr17-48728040-TG-T. GRCh37 (hg19) VCF-style: chr17-46805402-TG-T.
Other names: c.553delC (NM_006361.5); short protein forms Q185fs.
Identifiers: ClinVar variation 690852 (VCV000690852.8), dbSNP rs1597933831, ClinGen allele CA915950390.

ClinVar aggregate classification (germline): Uncertain significance. Review status: criteria provided, single submitter (1 of 4 stars). 2 submissions from 2 submitters: Uncertain significance (1). 1 of the submissions does not count toward it. Last evaluated 2020-09-04.

Conditions:
Prostate cancer, hereditary, 1 (HPC1). Identifiers: Orphanet 1331, MedGen C4722327, MONDO:0011098, OMIM 601518.

Submissions (2):

Labcorp Genetics (formerly Invitae), Labcorp
Classification: Uncertain significance. Last evaluated: 2020-09-04. Review status: criteria provided, single submitter. Criteria: Invitae Variant Classification Sherloc (09022015). Collection method: clinical testing. Allele origin: germline.
Comment: This sequence change results in a premature translational stop signal in the HOXB13 gene (p.Gln185Argfs*94). While this is not anticipated to result in nonsense mediated decay, it is expected to disrupt the last 100 amino acids of the HOXB13 protein. This variant is not present in population databases (ExAC no frequency). In summary, the available evidence is currently insufficient to determine the role of this variant in disease. Therefore, it has been classified as a Variant of Uncertain Significance. This variant has not been reported in the literature in individuals with HOXB13-related conditions. ClinVar contains an entry for this variant (Variation ID: 690852).

Laboratory of Virology, Microbiology,  Quality and Medical Biotechnologies, Faculty of Sciences and Techniques - Mohammedia, Hassan II University of Casablanca
Classification: Uncertain significance for Prostate cancer, hereditary, 1. Review status: no assertion criteria provided. Collection method: clinical testing. Allele origin: somatic. Affected: yes. Not counted in ClinVar's aggregate classification.